The following is an entry in ClinVar:

ClinVar aggregate classification (germline): Pathogenic (1 of 4 stars; one submission).

Conditions:
Dyskeratosis congenita, autosomal dominant 2. Identifiers: MedGen C3151443, MONDO:0013521, OMIM 613989.
Idiopathic Pulmonary Fibrosis. Also called: Idiopathic fibrosing alveolitis, chronic form; idiopathic fibrosing alveolitis. Identifiers: Orphanet 2032, MedGen C1800706, MeSH D054990, MONDO:0800504.

Submission:

Labcorp Genetics (formerly Invitae), Labcorp
Classification: Pathogenic for Dyskeratosis congenita, autosomal dominant 2; Idiopathic Pulmonary Fibrosis. Last evaluated: 2019-12-27. Review status: criteria provided, single submitter. Criteria: Invitae Variant Classification Sherloc (09022015). Collection method: clinical testing. Allele origin: germline.
Comment: This sequence change creates a premature translational stop signal (p.Trp581*) in the TERT gene. It is expected to result in an absent or disrupted protein product. This variant is not present in population databases (ExAC no frequency). This nonsense change has been observed in individual(s) with dyskeratosis congenita (PMID: 26024875). Loss-of-function variants in TERT are known to be pathogenic (PMID: 16247010, 17460043). For these reasons, this variant has been classified as Pathogenic.

Literature cited by the submitters: PubMed 26024875; PubMed 16247010; PubMed 17460043.

NM_198253.3(TERT):c.1743G>A (p.Trp581Ter)

Gene: TERT (telomerase reverse transcriptase; minus strand). Cytogenetic location: 5p15.33.
Variant type: single nucleotide variant.
Coding change: c.1743G>A on transcript NM_198253.3 (MANE Select); coding-DNA position 1743, G replaced by A.
Protein change: p.Trp581Ter; replaces tryptophan 581 with a stop codon.
Molecular consequence: nonsense. On other transcripts: non-coding transcript variant (2).
Genome position (GRCh38, 1-based): chr5:1,282,455, C>T on the plus strand (G>A on the coding strand, the complement: TERT is on the minus strand). VCF-style: chr5-1282455-C-T. GRCh37 (hg19) VCF-style: chr5-1282570-C-T.
Other names: c.1743G>A, p.Trp581Ter (NM_001193376.3); short protein forms W581*.
Identifiers: ClinVar variation 842734 (VCV000842734.10), dbSNP rs1750086002, ClinGen allele CA359082862.